The following is an entry in ClinVar:

ClinVar aggregate classification (germline): Uncertain significance (1 of 4 stars; one submission).

gnomAD v4.1: 6 of 1,580,330 alleles (0.00038%); highest among the groups gnomAD compares: Non-Finnish European, 0.00052%; no homozygotes.

Submission:

Labcorp Genetics (formerly Invitae), Labcorp
Classification: Uncertain significance. Last evaluated: 2025-06-02. Review status: criteria provided, single submitter. Criteria: Invitae Variant Classification Sherloc (09022015). Collection method: clinical testing. Allele origin: germline.
Comment: This sequence change replaces glutamine, which is neutral and polar, with glutamic acid, which is acidic and polar, at codon 1071 of the KIDINS220 protein (p.Gln1071Glu). This variant is not present in population databases (gnomAD no frequency). This variant has not been reported in the literature in individuals affected with KIDINS220-related conditions. ClinVar contains an entry for this variant (Variation ID: 3633341). An algorithm developed to predict the effect of missense changes on protein structure and function (PolyPhen-2) suggests that this variant is likely to be disruptive. In summary, the available evidence is currently insufficient to determine the role of this variant in disease. Therefore, it has been classified as a Variant of Uncertain Significance.

NM_020738.4(KIDINS220):c.3211C>G (p.Gln1071Glu)

Gene: KIDINS220 (kinase D interacting substrate 220; minus strand). Cytogenetic location: 2p25.1.
Variant type: single nucleotide variant.
Coding change: c.3211C>G on transcript NM_020738.4 (MANE Select); coding-DNA position 3211, C replaced by G.
Protein change: p.Gln1071Glu; replaces glutamine 1071 with glutamic acid.
Molecular consequence: missense variant. On other transcripts: non-coding transcript variant (2).
Genome position (GRCh38, 1-based): chr2:8,750,315, G>C on the plus strand (C>G on the coding strand, the complement: KIDINS220 is on the minus strand). VCF-style: chr2-8750315-G-C. GRCh37 (hg19) VCF-style: chr2-8890445-G-C.
Other names: c.3214C>G, p.Gln1072Glu (NM_001348729.2, NM_001348731.2, NM_001348734.2 and 2 more transcripts); c.3211C>G, p.Gln1071Glu (NM_001348732.2, NM_001348735.2, NM_001348738.2 and 3 more transcripts); c.3085C>G, p.Gln1029Glu (NM_001348736.2); short protein forms Q1071E, Q1072E, Q1029E.
Identifiers: ClinVar variation 3633341 (VCV003633341.2).